The following is an entry in ClinVar:

ClinVar aggregate classification (germline): Pathogenic (1 of 4 stars; one submission).

Conditions:
Juvenile polyposis syndrome (JPS). Identifiers: Orphanet 2929, MedGen C0345893, MONDO:0017380, OMIM 174900.

Submission:

Labcorp Genetics (formerly Invitae), Labcorp
Classification: Pathogenic for Juvenile polyposis syndrome. Last evaluated: 2021-11-26. Review status: criteria provided, single submitter. Criteria: Invitae Variant Classification Sherloc (09022015). Collection method: clinical testing. Allele origin: germline.
Comment: This variant is a gross deletion of the genomic region encompassing exon(s) 9-10 of the SMAD4 gene. This deletion is out-of-frame, and is expected to create a premature termination codon and result in an absent or disrupted protein product. Loss-of-function variants in SMAD4 are known to be pathogenic (PMID: 16152648, 16436638, 22810475). This variant has not been reported in the literature in individuals affected with SMAD4-related conditions. For these reasons, this variant has been classified as Pathogenic.

Literature cited by the submitters: PubMed 16152648; PubMed 16436638; PubMed 22810475.

NC_000018.9:g.(?_48591783)_(48593567_?)del

Gene: SMAD4 (SMAD family member 4; plus strand). Cytogenetic location: 18q21.2.
Variant type: Deletion.
Identifiers: ClinVar variation 2425341 (VCV002425341.2).